The following is an entry in ClinVar:

ClinVar aggregate classification (germline): Conflicting classifications of pathogenicity. Review status: criteria provided, conflicting classifications (1 of 4 stars). 2 submissions from 2 submitters: Likely pathogenic (1); Uncertain significance (1). Last evaluated 2023-11-01.

Conditions:
Mucopolysaccharidosis, MPS-IV-A (MPS4A). Also called: Mucopolysaccharidosis type IV A; Mucopolysaccharidosis Type IVA; Morquio syndrome A, mild; MORQUIO SYNDROME A; MPS IVA; mucopolysaccharidosis type 4A. Identifiers: Orphanet 309297, Orphanet 582, MedGen C0086651, MONDO:0009659, OMIM 253000.

Allele frequency attached by ClinVar (database versions not stated): TOPMed below 0.00001; gnomAD 0.00001.

Submissions (2):

Labcorp Genetics (formerly Invitae), Labcorp
Classification: Likely pathogenic for Mucopolysaccharidosis, MPS-IV-A. Last evaluated: 2023-11-01. Review status: criteria provided, single submitter. Criteria: Invitae Variant Classification Sherloc (09022015). Collection method: clinical testing. Allele origin: germline.
Comment: This sequence change replaces glycine, which is neutral and non-polar, with serine, which is neutral and polar, at codon 500 of the GALNS protein (p.Gly500Ser). This variant is not present in population databases (gnomAD no frequency). This missense change has been observed in individual(s) with mucopolysaccharidosis IVA (PMID: 24726177). ClinVar contains an entry for this variant (Variation ID: 1048341). Advanced modeling of protein sequence and biophysical properties (such as structural, functional, and spatial information, amino acid conservation, physicochemical variation, residue mobility, and thermodynamic stability) has been performed at Invitae for this missense variant, however the output from this modeling did not meet the statistical confidence thresholds required to predict the impact of this variant on GALNS protein function. This variant disrupts the p.Gly500 amino acid residue in GALNS. Other variant(s) that disrupt this residue have been determined to be pathogenic (PMID: 34387910, 35212421; Invitae). This suggests that this residue is clinically significant, and that variants that disrupt this residue are likely to be disease-causing. In summary, the currently available evidence indicates that the variant is pathogenic, but additional data are needed to prove that conclusively. Therefore, this variant has been classified as Likely Pathogenic.

Laboratory of Diagnosis and Therapy of Lysosomal Disorders, University of Padova
Classification: Uncertain significance for Mucopolysaccharidosis, MPS-IV-A. Last evaluated: 2021-02-01. Review status: criteria provided, single submitter. Criteria: ACMG Guidelines, 2015. Collection method: curation. Allele origin: germline. Affected: yes.
Comment: In vivo functional studies supportive of a damaging effect on the gene product (low to null enzymatic activity in homozygotes; PS3_supporting); very low frequency in gnomAD v2.1.1 (PM2_moderate); multiple lines of computational evidence support a deleterious effect on the gene (PP3_supporting)

Literature cited by the submitters: PubMed 24726177 (cited by Labcorp Genetics (formerly Invitae), Labcorp and Laboratory of Diagnosis and Therapy of Lysosomal Disorders, University of Padova); PubMed 34387910 (cited by Labcorp Genetics (formerly Invitae), Labcorp and Laboratory of Diagnosis and Therapy of Lysosomal Disorders, University of Padova); PubMed 35212421 (cited by Labcorp Genetics (formerly Invitae), Labcorp).

NM_000512.5(GALNS):c.1498G>A (p.Gly500Ser)

Gene: GALNS (galactosamine (N-acetyl)-6-sulfatase; minus strand). Cytogenetic location: 16q24.3.
Variant type: single nucleotide variant.
Coding change: c.1498G>A on transcript NM_000512.5 (MANE Select); coding-DNA position 1498, G replaced by A.
Protein change: p.Gly500Ser; replaces glycine 500 with serine.
Molecular consequence: missense variant.
Genome position (GRCh38, 1-based): chr16:88,814,510, C>T on the plus strand (G>A on the coding strand, the complement: GALNS is on the minus strand). VCF-style: chr16-88814510-C-T. GRCh37 (hg19) VCF-style: chr16-88880918-C-T.
Other names: c.943G>A, p.Gly315Ser (NM_001323543.2); c.1516G>A, p.Gly506Ser (NM_001323544.2); short protein forms G315S, G500S, G506S.
Identifiers: ClinVar variation 1048341 (VCV001048341.6), dbSNP rs1303492021, ClinGen allele CA397092661.
Genomic context (GRCh38, chr16:88,814,510, plus strand): 5'-AGAGGCACTTCTTGGGAATGGATTCTGGAGGTGTCAGACACTTCCCTAACTTTTCACAGC[C>T]CGGAGGTGCCCAGTTCTGGGAAATGAAAATTGAGAAAAAGAACATGCAGTTATTCAAGCT-3'
Protein context (NP_000503.1, residues 490-510): NWAVMNWAPP[Gly500Ser]CEKLGKCLTP